The following is an entry in ClinVar:

ClinVar aggregate classification (germline): Benign (1 of 4 stars; one submission).

Submission:

CeGaT Center for Human Genetics Tuebingen
Classification: Benign. Last evaluated: 2022-09-01. Review status: criteria provided, single submitter. Criteria: CeGaT Center For Human Genetics Tuebingen Variant Classification Criteria Version 2. Collection method: clinical testing. Allele origin: germline. Affected: yes. Observed: 1 variant allele.
Comment: PITPNM3: BS1, BS2

NM_031220.4(PITPNM3):c.*2281AG[4]

Gene: PITPNM3 (PITPNM family member 3; minus strand). Cytogenetic location: 17p13.2.
Variant type: Microsatellite.
Coding change: c.*2281AG[4] on transcript NM_031220.4 (MANE Select); four copies in a row of the 2-base unit AG starting at c.*2281; the reference has six copies in a row; two copies, 4 bases deleted.
Molecular consequence: 3 prime UTR variant.
Genome position (GRCh38, 1-based): chr17:6,453,046-6,453,049, CTCT deleted on the plus strand (AGAG on the coding strand, the reverse complement: PITPNM3 is on the minus strand); deleting any 4 consecutive bases within chr17:6,453,046-6,453,057 gives the same sequence; the position shown is the placement nearest the transcript's 3' end. VCF-style (leftmost placement, unchanged base first): chr17-6453045-CCTCT-C. GRCh37 (hg19) VCF-style: chr17-6356365-CCTCT-C.
Other names: c.*2281AG[4] (NM_001165966.2).
Identifiers: ClinVar variation 2647311 (VCV002647311.24), dbSNP rs558119335, ClinGen allele CA624666763.